The following is an entry in ClinVar:

NM_002948.5(RPL15):c.322C>A (p.Arg108Ser)

Genes: NKIRAS1 (NFKB inhibitor interacting Ras like 1; minus strand), RPL15 (ribosomal protein L15; plus strand). Cytogenetic location: 3p24.2.
Variant type: single nucleotide variant.
Coding change: c.322C>A on transcript NM_002948.5 (MANE Select); coding-DNA position 322, C replaced by A.
Protein change: p.Arg108Ser; replaces arginine 108 with serine.
Molecular consequence: missense variant. On other transcripts: intron variant (1).
Genome position (GRCh38, 1-based): chr3:23,919,208, C>A. VCF-style: chr3-23919208-C-A. GRCh37 (hg19) VCF-style: chr3-23960699-C-A.
Other names: c.322C>A, p.Arg108Ser (NM_001253379.2, NM_001253380.2, NM_001253382.2 and 2 more transcripts); c.-139-7758G>T (NM_001377380.1); short protein forms R108S.
Identifiers: ClinVar variation 2981104 (VCV002981104.3), dbSNP rs1398566766, ClinGen allele CA351881924.

ClinVar aggregate classification (germline): Uncertain significance (1 of 4 stars; one submission).

Allele frequency attached by ClinVar (database versions not stated): gnomAD exomes below 0.00001.
gnomAD v4.1: 2 of 1,613,502 alleles (0.00012%); highest among the groups gnomAD compares: Non-Finnish European, 0.00017%; no homozygotes.

Submission:

Labcorp Genetics (formerly Invitae), Labcorp
Classification: Uncertain significance. Last evaluated: 2024-10-18. Review status: criteria provided, single submitter. Criteria: Invitae Variant Classification Sherloc (09022015). Collection method: clinical testing. Allele origin: germline.
Comment: This sequence change replaces arginine, which is basic and polar, with serine, which is neutral and polar, at codon 108 of the RPL15 protein (p.Arg108Ser). This variant is present in population databases (no rsID available, gnomAD 0.01%). This variant has not been reported in the literature in individuals affected with RPL15-related conditions. An algorithm developed to predict the effect of missense changes on protein structure and function (PolyPhen-2) suggests that this variant is likely to be tolerated. In summary, the available evidence is currently insufficient to determine the role of this variant in disease. Therefore, it has been classified as a Variant of Uncertain Significance.